The following is an entry in ClinVar:

NM_001184900.3(CARD8):c.1527_1528del (p.Asp511fs)

Gene: CARD8 (caspase recruitment domain family member 8; minus strand). Cytogenetic location: 19q13.33.
Variant type: Deletion.
Coding change: c.1527_1528del on transcript NM_001184900.3 (MANE Select); coding-DNA positions 1527 to 1528, 2 bases deleted (AG; older notation c.1527_1528delAG).
Protein change: p.Asp511fs; shifts the reading frame from aspartic acid 511.
Molecular consequence: frameshift variant. On other transcripts: 3 prime UTR variant (7), non-coding transcript variant (3), intron variant (1).
Genome position (GRCh38, 1-based): chr19:48,211,796-48,211,797, CT deleted on the plus strand (AG on the coding strand, the reverse complement: CARD8 is on the minus strand). VCF-style (leftmost placement, unchanged base first): chr19-48211795-CCT-C. GRCh37 (hg19) VCF-style: chr19-48715052-CCT-C.
Other names: c.1377_1378del, p.Asp461fs (NM_001184901.1, NM_001351783.2, NM_014959.5); c.*206_*207del (NM_001184902.2, NM_001184903.1, NM_001351788.2 and 4 more transcripts); c.1527_1528del, p.Asp511fs (NM_001351782.2); c.1212_1213del, p.Asp406fs (NM_001351784.2); c.1191_1192del, p.Asp399fs (NM_001351786.2); c.1209_1210del, p.Asp405fs (NM_001365950.1); c.1033+3543_1033+3544del (NM_001351787.2); short protein forms D399fs, D405fs, D406fs, D461fs, D511fs.
Identifiers: ClinVar variation 4797935 (VCV004797935.1).

ClinVar aggregate classification (germline): Uncertain significance (1 of 4 stars; one submission).

Submission:

Labcorp Genetics (formerly Invitae), Labcorp
Classification: Uncertain significance. Last evaluated: 2025-03-29. Review status: criteria provided, single submitter. Criteria: Invitae Variant Classification Sherloc (09022015). Collection method: clinical testing. Allele origin: germline.
Comment: This sequence change creates a premature translational stop signal (p.Asp461Profs*11) in the CARD8 gene. While this is not anticipated to result in nonsense mediated decay, it is expected to disrupt the last 27 amino acid(s) of the CARD8 protein. This variant is present in population databases (rs749851325, gnomAD 0.006%). This variant has not been reported in the literature in individuals affected with CARD8-related conditions. Experimental studies and prediction algorithms are not available or were not evaluated, and the functional significance of this variant is currently unknown. In summary, the available evidence is currently insufficient to determine the role of this variant in disease. Therefore, it has been classified as a Variant of Uncertain Significance.